The following is an entry in ClinVar:

ClinVar aggregate classification (germline): Uncertain significance (1 of 4 stars; one submission).

Conditions:
Autism, susceptibility to, X-linked 4 (AUTSX4). Identifiers: MedGen C0795888, MONDO:0010440, OMIM 300830.

Allele frequency attached by ClinVar (database versions not stated): gnomAD exomes below 0.00001.
gnomAD v4.1: 1 of 1,211,927 alleles (0.000083%); highest among the groups gnomAD compares: Non-Finnish European, 0.00011%; no homozygotes.

Submission:

MVZ Medizinische Genetik Mainz
Classification: Uncertain significance for Autism, susceptibility to, X-linked 4. Last evaluated: 2023-09-14. Review status: criteria provided, single submitter. Criteria: UK Practice Guidelines For Variant Classification V4 01 2020. Collection method: clinical testing. Allele origin: germline. Inheritance: X-linked dominant inheritance. Affected: yes. Observed: 1 variant allele.
Comment: ACMG Criteria: PP3_STR,PM2_SUP

NM_173495.3(PTCHD1):c.1772A>G (p.Tyr591Cys)

Gene: PTCHD1 (patched domain containing 1; plus strand). Cytogenetic location: Xp22.11.
Variant type: single nucleotide variant.
Coding change: c.1772A>G on transcript NM_173495.3 (MANE Select); coding-DNA position 1772, A replaced by G.
Protein change: p.Tyr591Cys; replaces tyrosine 591 with cysteine.
Molecular consequence: missense variant.
Genome position (GRCh38, 1-based): chrX:23,393,290, A>G. VCF-style: chrX-23393290-A-G. GRCh37 (hg19) VCF-style: chrX-23411407-A-G.
Other names: short protein forms Y591C.
Identifiers: ClinVar variation 3236816 (VCV003236816.1), dbSNP rs2518767136.